The following is an entry in ClinVar:

ClinVar aggregate classification (germline): Pathogenic. Review status: reviewed by expert panel (3 of 4 stars). 3 submissions from 3 submitters: Pathogenic (1). 2 of the submissions do not count toward it. Last evaluated 2025-10-13.

Conditions:
HNF4A-related disorder. Also called: HNF4A-related condition.
Monogenic diabetes. Identifiers: Orphanet 183625, MedGen C3888631, MONDO:0015967.
Maturity-onset diabetes of the young type 1. Also called: MILD JUVENILE DIABETES MELLITUS; MODY type 1; Diabetes mellitus MODY type 1; MODY HNF4A related; HNF4A-Related Maturity-Onset Diabetes of the Young Type 1; MODY, type I. Identifiers: Orphanet 552, MedGen C1852093, MONDO:0007452, OMIM 125850. Disease mechanism: loss of function.

Submissions (3):

ClinGen Monogenic Diabetes Variant Curation Expert Panel
Classification: Pathogenic for Monogenic diabetes. Last evaluated: 2025-10-13. Review status: reviewed by expert panel. Criteria: ClinGen Diabetes ACMG Specifications HNF4A V4.0.0. Collection method: curation. Allele origin: germline. Inheritance: Autosomal dominant inheritance.
Comment: The c.-181G>A variant in the HNF4 homeobox A gene, HNF4A, is a single nucleotide variant within the P2 promotor region of NM_175914.5. A luciferase assay meeting the ClinGen MDEP quality control specifications demonstrated that the protein has transactivation activity below 60% of wildtype, indicating that this variant impacts protein function (PS3_Supporting, PMID: 32910913; PMID: 12235114; PMID: 38855865). This variant was identified in nine unrelated individuals with non- autoimmune and non-absolute/near-absolute insulin-deficient diabetes (PS4; PMID: 12235114, 38855865; internal lab contributors). This variant is located within the HNF1A binding site of the HNF4A promoter, which is defined as critical for the protein’s function by the ClinGen MDEP (PM1). This variant is absent from gnomAD v2.1.1 and v4.1.0 (PM2_Supporting). This variant segregated with diabetes, with at least 10 informative meioses in five families (PP1_Strong; PMID: 12235114, internal lab contributors). This variant was identified in an individual with a clinical history highly specific for HNF4A-monogenic diabetes (MODY probability calculator result >50%, negative genetic testing for HNF1A) (PP4; internal lab contributors) In summary, c.-181G>A meets the criteria to be classified as pathogenic for monogenic diabetes. ACMG/AMP criteria applied, as specified by the ClinGen MDEP (specification version 4.0.0, approved 10/10/2025): PS3_Supporting, PS4, PM1, PM2_Supporting, PP1_Strong, PP4.

PreventionGenetics, part of Exact Sciences
Classification: Pathogenic for HNF4A-related condition. Last evaluated: 2024-10-24. Review status: criteria provided, single submitter. Criteria: ACMG Guidelines, 2015. Collection method: clinical testing. Allele origin: germline. Not counted in ClinVar's aggregate classification.
Comment: The HNF4A c.-181G>A variant is located in the 5' untranslated region. This variant has been reported in multiple patients with maturity-onset diabetes of the young, including a large family with multiple affected individuals (Colclough et al. 2022. PubMed ID: 34789499; Hansen et al 2002. PubMed ID: 12235114). In vitro functional studies showed that this variant leads to impaired binding of HNF-1α to its cognate site and impairs HNF-1α–dependent transcriptional activation (Hansen et al 2002. PubMed ID: 12235114; Kind et al. 2024. PubMed ID: 38855865). This variant is located in the HNF4A promoter, which has been defined as critical for protein function, and has been interpreted as pathogenic by the ClinGen MDEP. This variant has not been reported in a large population database, indicating this variant is rare. This variant is interpreted as pathogenic.

Exeter Genomics Laboratory, Royal Devon University Healthcare NHS Foundation Trust
Classification: Pathogenic for Maturity-onset diabetes of the young type 1. Last evaluated: 2021-10-05. Review status: criteria provided, single submitter. Criteria: ACMG Guidelines, 2015. Collection method: clinical testing. Allele origin: inherited. Inheritance: Autosomal dominant inheritance. Affected: yes. Observed: 15 variant alleles, 15 heterozygotes. Not counted in ClinVar's aggregate classification.
Comment: The c.-181G>A variant in the HNF4 homeobox A gene, HNF4A, is a single nucleotide variant within the promoter of the pancreatic specific HNF4A isoform NM_175914.5. This variant is located within the HNF1A/HNF1B binding site of the promoter (c.-169 to -181) of HNF4A, which is defined as critical for protein function by the ClinGen MDEP (PM1_Supporting). This variant is absent in gnomAD v2.1.1 (PM2_Supporting), and has been identified in in seven unrelated individuals with non-autoimmune and non-absolute/near-absolute insulin deficient diabetes (PS4_Strong; PMID:12235114, four in our laboratory and two in Paris [personal communication]). At least one of these individuals has a clinical history suggestive of HNF4A-MODY (MODY probability calculator result >50%); however, HNF1A was not tested (internal lab contributors). Additionally, this variant segregated with diabetes, with 8 informative meioses in three families with MODY (PP1_Strong; (PMID:12235114, internal lab contributors). Taken together, this evidence supports the classification of this variant as pathogenic for monogenic diabetes. ACMG/AMP criteria applied: PS4_Strong, PP1_Strong, PM1_Supporting, PM2_Supporting.

Literature cited by the submitters: PubMed 12235114 (cited by Exeter Genomics Laboratory, Royal Devon University Healthcare NHS Foundation Trust).

NM_175914.5(HNF4A):c.-181G>A

Gene: HNF4A (hepatocyte nuclear factor 4 alpha; plus strand). Cytogenetic location: 20q13.12.
Variant type: single nucleotide variant.
Coding change: c.-181G>A on transcript NM_175914.5 (MANE Select); 181 bases upstream of the start codon, G replaced by A.
Genome position (GRCh38, 1-based): chr20:44,355,624, G>A. VCF-style: chr20-44355624-G-A. GRCh37 (hg19) VCF-style: chr20-42984264-G-A.
Identifiers: ClinVar variation 1299750 (VCV001299750.6), dbSNP rs2146126966, ClinGen allele CA2499225756.